The following is an entry in ClinVar:

NM_005228.5(EGFR):c.2284-15T>C

Genes: EGFR (epidermal growth factor receptor; plus strand), EGFR-AS1 (EGFR antisense RNA 1; minus strand). Cytogenetic location: 7p11.2.
Variant type: single nucleotide variant.
Coding change: c.2284-15T>C on transcript NM_005228.5 (MANE Select); 15 bases into the intron before coding-DNA position 2284, T replaced by C.
Molecular consequence: intron variant. On other transcripts: non-coding transcript variant (1).
Genome position (GRCh38, 1-based): chr7:55,181,278, T>C. VCF-style: chr7-55181278-T-C. GRCh37 (hg19) VCF-style: chr7-55248971-T-C.
Other names: c.2149-15T>C (NM_001346899.2, NM_001346897.2); c.1483-15T>C (NM_001346941.2); c.2284-15T>C (NM_001346898.2); c.2125-15T>C (NM_001346900.2).
Identifiers: ClinVar variation 3773208 (VCV003773208.1).

ClinVar aggregate classification (germline): Likely benign (1 of 4 stars; one submission).

Conditions:
Lung cancer. Also called: Lung cancer, somatic; Malignant tumor of lung. Identifiers: MedGen C0242379, MONDO:0008903, OMIM 211980.

Submission:

Myriad Genetics, Inc.
Classification: Likely benign for Lung cancer. Last evaluated: 2024-10-16. Review status: criteria provided, single submitter. Criteria: Myriad Autosomal Dominant, Autosomal Recessive and X-Linked Classification Criteria (2023). Collection method: clinical testing. Allele origin: unknown.
Comment: This variant is considered likely benign. This variant is intronic and is not expected to impact mRNA splicing.